The following is an entry in ClinVar:

ClinVar aggregate classification (germline): Pathogenic. Review status: criteria provided, multiple submitters, no conflicts (2 of 4 stars). 3 submissions from 3 submitters: Pathogenic (3). Last evaluated 2025-06-05.

Conditions:
Hereditary cancer-predisposing syndrome. Also called: Hereditary neoplastic syndrome; Tumor predisposition; Neoplastic Syndromes, Hereditary; Hereditary Cancer Syndrome. Identifiers: Orphanet 140162, MedGen C0027672, MeSH D009386, MONDO:0015356.
Hereditary diffuse gastric adenocarcinoma (HDGC). Also called: DIFFUSE GASTRIC AND LOBULAR BREAST CANCER SYNDROME. Identifiers: Orphanet 26106, MedGen C1708349, MONDO:0007648, OMIM 137215.

Submissions (3):

Ambry Genetics
Classification: Pathogenic for Hereditary cancer-predisposing syndrome. Last evaluated: 2025-06-05. Review status: criteria provided, single submitter. Criteria: Ambry Variant Classification Scheme 2023. Collection method: clinical testing. Allele origin: germline.
Comment: The p.Q590* pathogenic mutation (also known as c.1768C>T), located in coding exon 12 of the CTNNA1 gene, results from a C to T substitution at nucleotide position 1768. This changes the amino acid from a glutamine to a stop codon within coding exon 12. This alteration is expected to result in loss of function by premature protein truncation or nonsense-mediated mRNA decay. As such, this alteration is interpreted as a disease-causing mutation.

Myriad Genetics, Inc.
Classification: Pathogenic for Hereditary diffuse gastric adenocarcinoma. Last evaluated: 2024-06-25. Review status: criteria provided, single submitter. Criteria: Myriad Autosomal Dominant, Autosomal Recessive and X-Linked Classification Criteria (2023). Collection method: clinical testing. Allele origin: unknown.
Comment: This variant is considered pathogenic. This variant creates a termination codon and is predicted to result in premature protein truncation.

Labcorp Genetics (formerly Invitae), Labcorp
Classification: Pathogenic. Last evaluated: 2024-02-02. Review status: criteria provided, single submitter. Criteria: Invitae Variant Classification Sherloc (09022015). Collection method: clinical testing. Allele origin: germline.
Comment: This sequence change creates a premature translational stop signal (p.Gln590*) in the CTNNA1 gene. It is expected to result in an absent or disrupted protein product. Loss-of-function variants in CTNNA1 are known to be pathogenic (PMID: 32051609, 34425242). This variant is not present in population databases (gnomAD no frequency). This variant has not been reported in the literature in individuals affected with CTNNA1-related conditions. ClinVar contains an entry for this variant (Variation ID: 957004). RNA analysis performed to evaluate the impact of this premature translational stop signal on mRNA splicing indicates it does not significantly alter splicing (Invitae). For these reasons, this variant has been classified as Pathogenic.

Literature cited by the submitters: PubMed 32051609 (cited by Labcorp Genetics (formerly Invitae), Labcorp); PubMed 34425242 (cited by Labcorp Genetics (formerly Invitae), Labcorp).

NM_001903.5(CTNNA1):c.1768C>T (p.Gln590Ter)

Gene: CTNNA1 (catenin alpha 1; plus strand). Cytogenetic location: 5q31.2.
Variant type: single nucleotide variant.
Coding change: c.1768C>T on transcript NM_001903.5 (MANE Select); coding-DNA position 1768, C replaced by T.
Protein change: p.Gln590Ter; replaces glutamine 590 with a stop codon.
Molecular consequence: nonsense.
Genome position (GRCh38, 1-based): chr5:138,925,276, C>T. VCF-style: chr5-138925276-C-T. GRCh37 (hg19) VCF-style: chr5-138260965-C-T.
Other names: c.1768C>T, p.Gln590Ter (NM_001290307.3, NM_001323982.2, NM_001323983.1 and 2 more transcripts); c.1459C>T, p.Gln487Ter (NM_001290309.3); c.1399C>T, p.Gln467Ter (NM_001290310.3); c.658C>T, p.Gln220Ter (NM_001290312.1, NM_001323987.1, NM_001323988.1 and 17 more transcripts); c.1675C>T, p.Gln559Ter (NM_001323986.2); c.319C>T, p.Gln107Ter (NM_001324006.1, NM_001324007.1, NM_001324008.1 and 2 more transcripts); c.565C>T, p.Gln189Ter (NM_001324011.1); c.415C>T, p.Gln139Ter (NM_001324012.1, NM_001324013.1); and 1 more; short protein forms Q220*, Q590*, Q467*, Q559*, Q107*, Q139*, Q189*, Q487*.
Identifiers: ClinVar variation 957004 (VCV000957004.10), dbSNP rs926691029, ClinGen allele CA128217478.
Genomic context (GRCh38, chr5:138,925,276, plus strand): 5'-CCTGCTGACCAGGGTATCTACTGTGCCTCTTTCTCCACAGTCATGCCACGTTTTACTGAG[C>T]AAGTAGAAGCAGCCGTGGAAGCCCTCAGCTCGGACCCTGCCCAGCCCATGGATGAGAATG-3'